The following is an entry in ClinVar:

ClinVar aggregate classification (germline): Uncertain significance (1 of 4 stars; one submission).

Conditions:
Isolated microphthalmia 4. Identifiers: Orphanet 2542, MedGen C2751307, MONDO:0013130, OMIM 613094.
Klippel-Feil syndrome 1, autosomal dominant (KFS1). Also called: CERVICAL VERTEBRAL FUSION, AUTOSOMAL DOMINANT. Identifiers: Orphanet 2345, MedGen C1861689, MONDO:0007306, OMIM 118100.
Leber congenital amaurosis 17 (LCA17). Identifiers: Orphanet 65, MedGen C3715164, MONDO:0014145, OMIM 615360.
Microphthalmia, isolated, with coloboma 6 (MCOPCB6). Also called: Microphthalmia with coloboma 6, digenic; Microphthalmia with coloboma 6; MICROPHTHALMIA/COLOBOMA 6. Identifiers: Orphanet 98938, MedGen C3150968, MONDO:0013376, OMIM 613703.

Allele frequency attached by ClinVar (database versions not stated): TOPMed 0.00002; gnomAD exomes below 0.00001; gnomAD 0.00001.
gnomAD v4.1: 8 of 1,614,120 alleles (0.0005%); highest among the groups gnomAD compares: Non-Finnish European, 0.00042%; no homozygotes.

Submission:

Labcorp Genetics (formerly Invitae), Labcorp
Classification: Uncertain significance for Isolated microphthalmia 4; Leber congenital amaurosis 17; Klippel-Feil syndrome 1, autosomal dominant; Microphthalmia, isolated, with coloboma 6. Last evaluated: 2025-05-27. Review status: criteria provided, single submitter. Criteria: Invitae Variant Classification Sherloc (09022015). Collection method: clinical testing. Allele origin: germline.
Comment: This sequence change replaces glycine, which is neutral and non-polar, with glutamic acid, which is acidic and polar, at codon 134 of the GDF6 protein (p.Gly134Glu). This variant is present in population databases (no rsID available, gnomAD 0.01%). This variant has not been reported in the literature in individuals affected with GDF6-related conditions. ClinVar contains an entry for this variant (Variation ID: 1416800). Invitae Evidence Modeling of protein sequence and biophysical properties (such as structural, functional, and spatial information, amino acid conservation, physicochemical variation, residue mobility, and thermodynamic stability) indicates that this missense variant is not expected to disrupt GDF6 protein function with a negative predictive value of 80%. In summary, the available evidence is currently insufficient to determine the role of this variant in disease. Therefore, it has been classified as a Variant of Uncertain Significance.

NM_001001557.4(GDF6):c.401G>A (p.Gly134Glu)

Gene: GDF6 (growth differentiation factor 6; minus strand). Cytogenetic location: 8q22.1.
Variant type: single nucleotide variant.
Coding change: c.401G>A on transcript NM_001001557.4 (MANE Select); coding-DNA position 401, G replaced by A.
Protein change: p.Gly134Glu; replaces glycine 134 with glutamic acid.
Molecular consequence: missense variant.
Genome position (GRCh38, 1-based): chr8:96,160,292, C>T on the plus strand (G>A on the coding strand, the complement: GDF6 is on the minus strand). VCF-style: chr8-96160292-C-T. GRCh37 (hg19) VCF-style: chr8-97172520-C-T.
Other names: short protein forms G134E.
Identifiers: ClinVar variation 1416800 (VCV001416800.6), dbSNP rs966679733, ClinGen allele CA181488443.